The following is an entry in ClinVar:

NM_007294.4(BRCA1):c.3463G>C (p.Asp1155His)

Genes: BRCA1 (BRCA1 DNA repair associated; minus strand), LOC126862571 (BRD4-independent group 4 enhancer GRCh37_chr17:41243136-41244335; plus strand). Cytogenetic location: 17q21.31.
Variant type: single nucleotide variant.
Coding change: c.3463G>C on transcript NM_007294.4 (MANE Select); coding-DNA position 3463, G replaced by C.
Protein change: p.Asp1155His; replaces aspartic acid 1155 with histidine.
Molecular consequence: missense variant. On other transcripts: intron variant (135).
Genome position (GRCh38, 1-based): chr17:43,092,068, C>G on the plus strand (G>C on the coding strand, the complement: BRCA1 is on the minus strand). VCF-style: chr17-43092068-C-G. GRCh37 (hg19) VCF-style: chr17-41244085-C-G.
Other names: 3582G>C; c.3340G>C, p.Asp1114His (NM_001407667.1, NM_001407668.1, NM_001407669.1 and 19 more transcripts); c.3337G>C, p.Asp1113His (NM_001407670.1, NM_001407671.1, NM_001407672.1 and 11 more transcripts); c.3463G>C, p.Asp1155His (NM_001407684.1, NM_001407854.1, NM_001407858.1 and 30 more transcripts); c.3322G>C, p.Asp1108His (NM_001407692.1, NM_001407694.1, NM_001407695.1 and 29 more transcripts); c.3319G>C, p.Asp1107His (NM_001407740.1, NM_001407741.1, NM_001407742.1 and 20 more transcripts); c.3250G>C, p.Asp1084His (NM_001407853.1, NM_001407894.1, NM_001407895.1 and 9 more transcripts); c.3460G>C, p.Asp1154His (NM_001407860.1, NM_001407861.1, NM_001407587.1 and 22 more transcripts); and 42 more; short protein forms D1155H, D1108H, D1066H, D1128H, D1152H, D987H, D1027H, D1043H.
Identifiers: ClinVar variation 54891 (VCV000054891.17), dbSNP rs80357484, ClinGen allele CA002234.
Genomic context (GRCh38, chr17:43,092,068, plus strand): 5'-CAGAACTTTCCTTAATGTCATTTTCAGCAAAACTAGTATCTTCCTTTATTTCACCATCAT[C>G]TAACAGGTCATCAGGTGTCTCAGAACAAACCTGAGATGCATGACTACTTCCCATAGGCTG-3'
Protein context (NP_009225.1, residues 1145-1165): VCSETPDDLL[Asp1155His]DGEIKEDTSF

ClinVar aggregate classification (germline): Benign. Review status: reviewed by expert panel (3 of 4 stars). 5 submissions from 5 submitters: Benign (1). 4 of the submissions do not count toward it. Last evaluated 2015-08-10.

Conditions:
Hereditary cancer-predisposing syndrome. Also called: Hereditary Cancer Syndrome; Hereditary neoplastic syndrome; Neoplastic Syndromes, Hereditary; Tumor predisposition. Identifiers: Orphanet 140162, MedGen C0027672, MeSH D009386, MONDO:0015356.
Hereditary breast ovarian cancer syndrome. Also called: BRCA1- and BRCA2-Associated Hereditary Breast and Ovarian Cancer; Hereditary breast and ovarian cancer syndrome; Hereditary breast and ovarian cancer syndrome (HBOC); Breast and ovarian cancer; Hereditary breast and/or ovarian cancer syndrome; Hereditary breast and ovarian cancer. Identifiers: Orphanet 145, MedGen C0677776, MeSH D061325, MONDO:0003582. Disease mechanism: loss of function.
Breast-ovarian cancer, familial, susceptibility to, 1 (BROVCA1). Also called: BRCA1 Hereditary Breast and Ovarian Cancer; OVARIAN CANCER, SUSCEPTIBILITY TO. Identifiers: Orphanet 145, MedGen C2676676, MONDO:0011450, OMIM 604370. Disease mechanism: loss of function.

Allele frequency attached by ClinVar (database versions not stated): ExAC 0.00001; gnomAD exomes below 0.00001.
gnomAD v4.1: 3 of 1,614,066 alleles (0.00019%); highest among the groups gnomAD compares: Non-Finnish European, 0.00025%; no homozygotes.

Submissions (5):

Evidence-based Network for the Interpretation of Germline Mutant Alleles (ENIGMA)
Classification: Benign for Breast-ovarian cancer, familial 1. Last evaluated: 2015-08-10. Review status: reviewed by expert panel. Criteria: ENIGMA BRCA1/2 Classification Criteria (2015). Collection method: curation. Allele origin: germline.
Comment: IARC class based on posterior probability from multifactorial likelihood analysis, thresholds for class as per Plon et al. 2008 (PMID: 18951446). Class 1 based on posterior probability = 0.00000714

Labcorp Genetics (formerly Invitae), Labcorp
Classification: Likely benign for Hereditary breast ovarian cancer syndrome. Last evaluated: 2021-08-31. Review status: criteria provided, single submitter. Criteria: Invitae Variant Classification Sherloc (09022015). Collection method: clinical testing. Allele origin: germline. Not counted in ClinVar's aggregate classification.

Color Diagnostics, LLC DBA Color Health
Classification: Uncertain significance for Hereditary cancer-predisposing syndrome. Last evaluated: 2019-06-16. Review status: criteria provided, single submitter. Criteria: ACMG Guidelines, 2015. Collection method: clinical testing. Allele origin: germline. Not counted in ClinVar's aggregate classification.

Ambry Genetics
Classification: Benign for Hereditary cancer-predisposing syndrome. Last evaluated: 2014-11-18. Review status: criteria provided, single submitter. Criteria: Ambry Variant Classification Scheme 2023. Collection method: clinical testing. Allele origin: germline. Not counted in ClinVar's aggregate classification.

Breast Cancer Information Core (BIC) (BRCA1)
Classification: Uncertain significance for Breast-ovarian cancer, familial 1. Last evaluated: 2003-11-25. Review status: no assertion criteria provided. Collection method: clinical testing. Allele origin: germline. Affected: yes. Observed: 1 variant allele. Not counted in ClinVar's aggregate classification.

Literature cited by the submitters: PubMed 21990134 (cited by Evidence-based Network for the Interpretation of Germline Mutant Alleles (ENIGMA)).